The following is an entry in ClinVar:

ClinVar aggregate classification (germline): Uncertain significance (1 of 4 stars; one submission).

Conditions:
Inborn genetic diseases. Identifiers: MedGen C0950123, MeSH D030342.

gnomAD v4.1: 15 of 1,209,719 alleles (0.0012%); highest among the groups gnomAD compares: Non-Finnish European, 0.0017%; no homozygotes.

Submission:

Ambry Genetics
Classification: Uncertain significance for Inborn genetic diseases. Last evaluated: 2025-07-02. Review status: criteria provided, single submitter. Criteria: Ambry Variant Classification Scheme 2023. Collection method: clinical testing. Allele origin: germline.
Comment: The c.2318T>C (p.L773P) alteration is located in exon 21 (coding exon 21) of the PHKA2 gene. This alteration results from a T to C substitution at nucleotide position 2318, causing the leucine (L) at amino acid position 773 to be replaced by a proline (P). This variant was not reported in population-based cohorts in the Genome Aggregation Database (gnomAD). This amino acid position is highly conserved in available vertebrate species. This alteration is predicted to be deleterious by in silico analysis. Based on insufficient or conflicting evidence, the clinical significance of this alteration remains unclear.

NM_000292.3(PHKA2):c.2318T>C (p.Leu773Pro)

Gene: PHKA2 (phosphorylase kinase regulatory subunit alpha 2; minus strand). Cytogenetic location: Xp22.13.
Variant type: single nucleotide variant.
Coding change: c.2318T>C on transcript NM_000292.3 (MANE Select); coding-DNA position 2318, T replaced by C.
Protein change: p.Leu773Pro; replaces leucine 773 with proline.
Molecular consequence: missense variant.
Genome position (GRCh38, 1-based): chrX:18,908,843, A>G on the plus strand (T>C on the coding strand, the complement: PHKA2 is on the minus strand). VCF-style: chrX-18908843-A-G. GRCh37 (hg19) VCF-style: chrX-18926961-A-G.
Other names: c.2318T>C, p.Leu773Pro (NM_001440800.1, NM_001440801.1, NM_001440805.1); c.2219T>C, p.Leu740Pro (NM_001440802.1, NM_001440803.1, NM_001440804.1); short protein forms L740P, L773P.
Identifiers: ClinVar variation 4135834 (VCV004135834.1).